The following is an entry in ClinVar:

ClinVar aggregate classification (germline): Pathogenic (1 of 4 stars; one submission).

Conditions:
Duchenne muscular dystrophy (DMD). Also called: MUSCULAR DYSTROPHY, PSEUDOHYPERTROPHIC PROGRESSIVE, DUCHENNE TYPE; Duchenne Muscular Dystrophy (DMD). Identifiers: Orphanet 98896, MedGen C0013264, MONDO:0010679, OMIM 310200.

Submission:

Labcorp Genetics (formerly Invitae), Labcorp
Classification: Pathogenic for Duchenne muscular dystrophy. Last evaluated: 2023-04-15. Review status: criteria provided, single submitter. Criteria: Invitae Variant Classification Sherloc (09022015). Collection method: clinical testing. Allele origin: unknown.
Comment: For these reasons, this variant has been classified as Pathogenic. A similar copy number variant has been observed in individuals with clinical features of DMD-related conditions (PMID: 10465346, 19907931). This variant is a gross deletion of the genomic region encompassing exon(s) 43-52 of the DMD gene. This deletion is out-of-frame, and is expected to create a premature termination codon and result in an absent or disrupted protein product. Loss-of-function variants in DMD are known to be pathogenic (PMID: 16770791, 25007885).

Literature cited by the submitters: PubMed 10465346; PubMed 19907931; PubMed 16770791; PubMed 25007885.

NC_000023.10:g.(?_31745485)_(32305838_?)del

Gene: DMD (dystrophin; minus strand). Cytogenetic location: Xp21.1.
Variant type: Deletion.
Identifiers: ClinVar variation 3248170 (VCV003248170.1).